The following is an entry in ClinVar:

NM_015466.4(PTPN23):c.1874G>A (p.Arg625His)

Gene: PTPN23 (protein tyrosine phosphatase non-receptor type 23; plus strand). Cytogenetic location: 3p21.31.
Variant type: single nucleotide variant.
Coding change: c.1874G>A on transcript NM_015466.4 (MANE Select); coding-DNA position 1874, G replaced by A.
Protein change: p.Arg625His; replaces arginine 625 with histidine.
Molecular consequence: missense variant.
Genome position (GRCh38, 1-based): chr3:47,409,493, G>A. VCF-style: chr3-47409493-G-A. GRCh37 (hg19) VCF-style: chr3-47450983-G-A.
Other names: c.1496G>A, p.Arg499His (NM_001304482.2); short protein forms R625H, R499H.
Identifiers: ClinVar variation 1447816 (VCV001447816.4), dbSNP rs201101203, ClinGen allele CA2365844.

ClinVar aggregate classification (germline): Uncertain significance. Review status: criteria provided, multiple submitters, no conflicts (2 of 4 stars). 2 submissions from 2 submitters: Uncertain significance (2). Last evaluated 2026-08-01.

Allele frequency attached by ClinVar (database versions not stated): ExAC 0.00003; gnomAD 0.00003 and 0.00001; gnomAD exomes 0.00003 and 0.00001; 1000 Genomes Project 0.00040; 1000 Genomes Project 30x 0.00047; TOPMed 0.00002.
gnomAD v4.1: 18 of 1,614,120 alleles (0.0011%); highest among the groups gnomAD compares: African/African-American, 0.0093%; no homozygotes.

Submissions (2):

CeGaT Center for Human Genetics Tuebingen
Classification: Uncertain significance. Last evaluated: 2026-08-01. Review status: criteria provided, single submitter. Criteria: CeGaT Center For Human Genetics Tuebingen Variant Classification Criteria Version 2. Collection method: clinical testing. Allele origin: germline. Affected: yes. Observed: 1 variant allele.
Comment: PTPN23: PM2

Labcorp Genetics (formerly Invitae), Labcorp
Classification: Uncertain significance. Last evaluated: 2022-08-31. Review status: criteria provided, single submitter. Criteria: Invitae Variant Classification Sherloc (09022015). Collection method: clinical testing. Allele origin: germline.
Comment: This sequence change replaces arginine, which is basic and polar, with histidine, which is basic and polar, at codon 625 of the PTPN23 protein (p.Arg625His). This variant is present in population databases (rs201101203, gnomAD 0.02%). This variant has not been reported in the literature in individuals affected with PTPN23-related conditions. ClinVar contains an entry for this variant (Variation ID: 1447816). Algorithms developed to predict the effect of missense changes on protein structure and function are either unavailable or do not agree on the potential impact of this missense change (SIFT: "Tolerated"; PolyPhen-2: "Not Available"; Align-GVGD: "Class C0"). In summary, the available evidence is currently insufficient to determine the role of this variant in disease. Therefore, it has been classified as a Variant of Uncertain Significance.